The following is an entry in ClinVar:

NM_003560.4(PLA2G6):c.2297C>T (p.Thr766Met)

Gene: PLA2G6 (phospholipase A2 group VI; minus strand). Cytogenetic location: 22q13.1.
Variant type: single nucleotide variant.
Coding change: c.2297C>T on transcript NM_003560.4 (MANE Select); coding-DNA position 2297, C replaced by T.
Protein change: p.Thr766Met; replaces threonine 766 with methionine.
Molecular consequence: missense variant.
Genome position (GRCh38, 1-based): chr22:38,112,285, G>A on the plus strand (C>T on the coding strand, the complement: PLA2G6 is on the minus strand). VCF-style: chr22-38112285-G-A. GRCh37 (hg19) VCF-style: chr22-38508292-G-A.
Other names: c.2135C>T, p.Thr712Met (NM_001004426.3, NM_001199562.3, NM_001349865.2 and 1 more transcripts); c.2297C>T, p.Thr766Met (NM_001349864.2); c.1763C>T, p.Thr588Met (NM_001349867.2); c.1619C>T, p.Thr540Met (NM_001349868.2); c.1601C>T, p.Thr534Met (NM_001349869.2); short protein forms T766M, T540M, T534M, T712M, T588M.
Identifiers: ClinVar variation 1481315 (VCV001481315.20), dbSNP rs201208246, ClinGen allele CA10230541.

ClinVar aggregate classification (germline): Uncertain significance. Review status: criteria provided, multiple submitters, no conflicts (2 of 4 stars). 2 submissions from 2 submitters: Uncertain significance (2). Last evaluated 2026-01-05.

Conditions:
Infantile neuroaxonal dystrophy (NBIA2A). Also called: Infantile neuroaxonal dystrophy 1; NEURODEGENERATION WITH BRAIN IRON ACCUMULATION 2A; SEITELBERGER DISEASE. Identifiers: Orphanet 35069, MedGen C0270724, MONDO:0024457, OMIM 256600.

Allele frequency attached by ClinVar (database versions not stated): TOPMed below 0.00001; gnomAD 0.00001; gnomAD exomes 0.00002 and 0.00004; ExAC 0.00005.
gnomAD v4.1: 25 of 1,613,372 alleles (0.0015%); highest among the groups gnomAD compares: Middle Eastern, 0.016%; no homozygotes.

Submissions (2):

Labcorp Genetics (formerly Invitae), Labcorp
Classification: Uncertain significance for Infantile neuroaxonal dystrophy. Last evaluated: 2026-01-05. Review status: criteria provided, single submitter. Criteria: Invitae Variant Classification Sherloc (09022015). Collection method: clinical testing. Allele origin: germline.
Comment: This sequence change replaces threonine, which is neutral and polar, with methionine, which is neutral and non-polar, at codon 766 of the PLA2G6 protein (p.Thr766Met). This variant is present in population databases (rs201208246, gnomAD 0.009%). This variant has not been reported in the literature in individuals affected with PLA2G6-related conditions. ClinVar contains an entry for this variant (Variation ID: 1481315). Invitae Evidence Modeling of protein sequence and biophysical properties (such as structural, functional, and spatial information, amino acid conservation, physicochemical variation, residue mobility, and thermodynamic stability) indicates that this missense variant is not expected to disrupt PLA2G6 protein function with a negative predictive value of 80%. In summary, the available evidence is currently insufficient to determine the role of this variant in disease. Therefore, it has been classified as a Variant of Uncertain Significance.

CeGaT Center for Human Genetics Tuebingen
Classification: Uncertain significance. Last evaluated: 2024-10-01. Review status: criteria provided, single submitter. Criteria: CeGaT Center For Human Genetics Tuebingen Variant Classification Criteria Version 2. Collection method: clinical testing. Allele origin: germline. Affected: yes. Observed: 1 variant allele.
Comment: PLA2G6: PM2, BP4